The following is an entry in ClinVar:

ClinVar aggregate classification (germline): Uncertain significance (1 of 4 stars; one submission).

Submission:

Ambry Genetics
Classification: Uncertain significance. Last evaluated: 2021-08-19. Review status: criteria provided, single submitter. Criteria: Ambry Variant Classification Scheme 2023. Collection method: clinical testing. Allele origin: germline.
Comment: The p.S673R variant (also known as c.2019T>A), located in coding exon 17 of the RAD54L gene, results from a T to A substitution at nucleotide position 2019. The serine at codon 673 is replaced by arginine, an amino acid with dissimilar properties. This amino acid position is conserved. In addition, the in silico prediction for this alteration is inconclusive. Since supporting evidence is limited at this time, the clinical significance of this alteration remains unclear.

NM_003579.4(RAD54L):c.2019T>A (p.Ser673Arg)

Genes: LRRC41 (leucine rich repeat containing 41; minus strand), RAD54L (RAD54 like; plus strand). Cytogenetic location: 1p34.1.
Variant type: single nucleotide variant.
Coding change: c.2019T>A on transcript NM_003579.4 (MANE Select); coding-DNA position 2019, T replaced by A.
Protein change: p.Ser673Arg; replaces serine 673 with arginine.
Molecular consequence: missense variant. On other transcripts: 3 prime UTR variant (1).
Genome position (GRCh38, 1-based): chr1:46,277,966, T>A. VCF-style: chr1-46277966-T-A. GRCh37 (hg19) VCF-style: chr1-46743638-T-A.
Other names: c.*899A>T (NM_006369.5); c.2019T>A, p.Ser673Arg (NM_001142548.2); c.1479T>A, p.Ser493Arg (NM_001370766.1); short protein forms S493R, S673R.
Identifiers: ClinVar variation 1784505 (VCV001784505.2), dbSNP rs2525730227, ClinGen allele CA340190467.